The following is an entry in ClinVar:

ClinVar aggregate classification (germline): Uncertain significance (1 of 4 stars; one submission).

Conditions:
Cardiovascular phenotype. Identifiers: MedGen CN230736.

Submission:

Ambry Genetics
Classification: Uncertain significance for Cardiovascular phenotype. Last evaluated: 2022-09-05. Review status: criteria provided, single submitter. Criteria: Ambry Variant Classification Scheme 2023. Collection method: clinical testing. Allele origin: germline.
Comment: The p.Q387E variant (also known as c.1159C>G), located in coding exon 10 of the APOB gene, results from a C to G substitution at nucleotide position 1159. The glutamine at codon 387 is replaced by glutamic acid, an amino acid with highly similar properties. This amino acid position is conserved. In addition, this alteration is predicted to be tolerated by in silico analysis. Since supporting evidence is limited at this time, the clinical significance of this alteration remains unclear.

NM_000384.3(APOB):c.1159C>G (p.Gln387Glu)

Gene: APOB (apolipoprotein B; minus strand). Cytogenetic location: 2p24.1.
Variant type: single nucleotide variant.
Coding change: c.1159C>G on transcript NM_000384.3 (MANE Select); coding-DNA position 1159, C replaced by G.
Protein change: p.Gln387Glu; replaces glutamine 387 with glutamic acid.
Molecular consequence: missense variant.
Genome position (GRCh38, 1-based): chr2:21,032,547, G>C on the plus strand (C>G on the coding strand, the complement: APOB is on the minus strand). VCF-style: chr2-21032547-G-C. GRCh37 (hg19) VCF-style: chr2-21255419-G-C.
Other names: short protein forms Q387E.
Identifiers: ClinVar variation 1736082 (VCV001736082.2), dbSNP rs2465433080, ClinGen allele CA345958434.